The following is an entry in ClinVar:

ClinVar aggregate classification (germline): Pathogenic/Likely pathogenic. Review status: criteria provided, multiple submitters, no conflicts (2 of 4 stars). 2 submissions from 2 submitters: Pathogenic (1); Likely pathogenic (1). Last evaluated 2025-10-27.

Conditions:
Familial thoracic aortic aneurysm and aortic dissection (TAAD). Also called: Thoracic aortic aneurysms and dissections. Identifiers: Orphanet 91387, MedGen C4707243, MONDO:0019625.
Marfan syndrome (MFS). Also called: Marfan syndrome, classic; Marfan syndrome type 1; Marfan's syndrome; FBN1-Related Marfan Syndrome; MARFAN SYNDROME, TYPE I. Identifiers: Orphanet 284963, Orphanet 558, MedGen C0024796, MONDO:0007947, OMIM 154700.

Submissions (2):

3billion
Classification: Likely pathogenic for Marfan syndrome. Last evaluated: 2025-10-27. Review status: criteria provided, single submitter. Criteria: ACMG Guidelines, 2015. Collection method: clinical testing. Allele origin: germline. Affected: yes.
Comment: The variant is not observed in the gnomAD v4.1.0 dataset. Predicted Consequence/Location: Missense variant In silico tool predictions suggest damaging effect of the variant on gene or gene product [REVEL: 0.92 (>=0.6, sensitivity 0.68 and specificity 0.92); 3Cnet: 0.99 (> 0.75, sensitivity 0.96 and precision 0.92)]. The same nucleotide change resulting in the same amino acid change has been previously reported to be associated with FBN1-related disorder (ClinVar ID: VCV000939548 /PMID: 26787436).Different missense changes at the same codon (p.Cys1806Arg, p.Cys1806Gly, p.Cys1806Phe, p.Cys1806Ser, p.Cys1806Tyr) have been reported as pathogenic/likely pathogenic with strong evidence (ClinVar ID: VCV000527203, VCV000547331, VCV000684596, VCV003513521 /PMID: 12203987, 12402346, 27906200, 31730815). Therefore, this variant is classified as Likely pathogenic according to the recommendation of ACMG/AMP guideline.

Labcorp Genetics (formerly Invitae), Labcorp
Classification: Pathogenic for Marfan syndrome; Familial thoracic aortic aneurysm and aortic dissection. Last evaluated: 2019-10-16. Review status: criteria provided, single submitter. Criteria: Invitae Variant Classification Sherloc (09022015). Collection method: clinical testing. Allele origin: germline.
Comment: This variant has been observed in individuals affected with Marfan syndrome (PMID: 26787436, Invitae). This sequence change replaces cysteine with tryptophan at codon 1806 of the FBN1 protein (p.Cys1806Trp). The cysteine residue is highly conserved and there is a large physicochemical difference between cysteine and tryptophan. This variant is not present in population databases (ExAC no frequency). Algorithms developed to predict the effect of missense changes on protein structure and function are either unavailable or do not agree on the potential impact of this missense change (SIFT: "Deleterious"; PolyPhen-2: "Probably Damaging"; Align-GVGD: "Class C15"). For these reasons, this variant has been classified as Pathogenic. This variant affects a cysteine residue in the EGF-like, TGFBP or hybrid motif domains of FBN1. Cysteine residues are believed to be involved in intramolecular disulfide bridges and have been shown to be important for FBN1 protein structure (PMID: 16905551, 19349279). In addition, missense substitutions affecting cysteine residues within these domains are significantly overrepresented among patients with Marfan syndrome (PMID: 16571647, 17701892).

Literature cited by the submitters: PubMed 26787436 (cited by 3billion and Labcorp Genetics (formerly Invitae), Labcorp); PubMed 12203987 (cited by 3billion); PubMed 16905551 (cited by Labcorp Genetics (formerly Invitae), Labcorp); PubMed 19349279 (cited by Labcorp Genetics (formerly Invitae), Labcorp); PubMed 16571647 (cited by Labcorp Genetics (formerly Invitae), Labcorp); PubMed 17701892 (cited by Labcorp Genetics (formerly Invitae), Labcorp).

NM_000138.5(FBN1):c.5418T>G (p.Cys1806Trp)

Gene: FBN1 (fibrillin 1; minus strand). Cytogenetic location: 15q21.1.
Variant type: single nucleotide variant.
Coding change: c.5418T>G on transcript NM_000138.5 (MANE Select); coding-DNA position 5418, T replaced by G.
Protein change: p.Cys1806Trp; replaces cysteine 1806 with tryptophan.
Molecular consequence: missense variant.
Genome position (GRCh38, 1-based): chr15:48,456,641, A>C on the plus strand (T>G on the coding strand, the complement: FBN1 is on the minus strand). VCF-style: chr15-48456641-A-C. GRCh37 (hg19) VCF-style: chr15-48748838-A-C.
Other names: short protein forms C1806W.
Identifiers: ClinVar variation 939548 (VCV000939548.10), dbSNP rs2043239853, ClinGen allele CA392345804.
Genomic context (GRCh38, chr15:48,456,641, plus strand): 5'-AAGTAGCTCATCAGTTAGCTCTTTTCTGGATATGATAAAGTCATGATGCCACTTACCTTC[A>C]CAAACCAACAACTTGTCATTATAGAAGAATCCCACTGGACATTCACATCGGAAGCTGCCA-3'
Protein context (NP_000129.3, residues 1796-1816): GFFYNDKLLV[Cys1806Trp]EDIDECQNGP